The following is an entry in ClinVar:

NM_012309.5(SHANK2):c.247G>T (p.Ala83Ser)

Gene: SHANK2 (SH3 and multiple ankyrin repeat domains 2; minus strand). Cytogenetic location: 11q13.4.
Variant type: single nucleotide variant.
Coding change: c.247G>T on transcript NM_012309.5 (MANE Select); coding-DNA position 247, G replaced by T.
Protein change: p.Ala83Ser; replaces alanine 83 with serine.
Molecular consequence: missense variant.
Genome position (GRCh38, 1-based): chr11:71,118,993, C>A on the plus strand (G>T on the coding strand, the complement: SHANK2 is on the minus strand). VCF-style: chr11-71118993-C-A. GRCh37 (hg19) VCF-style: chr11-70830039-C-A.
Other names: short protein forms A83S.
Identifiers: ClinVar variation 3061121 (VCV003061121.2), dbSNP rs2502057442, ClinGen allele CA381960157.
Genomic context (GRCh38, chr11:71,118,993, plus strand): 5'-GGCCGTAGTTCAGGACATCTTTCAAACTCTGGGTTAATGTACACAGGATCCGCTGCTTTG[C>A]AACCCACACTGTGGCATCCGGGTTAAATCGAATGCATTTCTGCCAGGAAGGACAAAGACA-3'
Protein context (NP_036441.2, residues 73-93): RFNPDATVWV[Ala83Ser]KQRILCTLTQ

ClinVar aggregate classification (germline): Uncertain significance (0 of 4 stars; one submission).

Conditions:
SHANK2-related disorder.

Submission:

PreventionGenetics, part of Exact Sciences
Classification: Uncertain significance for SHANK2-related condition. Last evaluated: 2024-02-22. Review status: no assertion criteria provided. Collection method: clinical testing. Allele origin: germline.
Comment: The SHANK2 c.247G>T variant is predicted to result in the amino acid substitution p.Ala83Ser. To our knowledge, this variant has not been reported in the literature or in a large population database, indicating this variant is rare. At this time, the clinical significance of this variant is uncertain due to the absence of conclusive functional and genetic evidence.